The following is an entry in ClinVar:

NM_172107.4(KCNQ2):c.2185G>A (p.Gly729Ser)

Gene: KCNQ2 (potassium voltage-gated channel subfamily Q member 2; minus strand). Cytogenetic location: 20q13.33.
Variant type: single nucleotide variant.
Coding change: c.2185G>A on transcript NM_172107.4 (MANE Select); coding-DNA position 2185, G replaced by A.
Protein change: p.Gly729Ser; replaces glycine 729 with serine.
Molecular consequence: missense variant.
Genome position (GRCh38, 1-based): chr20:63,407,078, C>T on the plus strand (G>A on the coding strand, the complement: KCNQ2 is on the minus strand). VCF-style: chr20-63407078-C-T. GRCh37 (hg19) VCF-style: chr20-62038431-C-T.
Other names: c.2239G>A, p.Gly747Ser (NM_001382235.1); c.2101G>A, p.Gly701Ser (NM_004518.6); c.2131G>A, p.Gly711Ser (NM_172106.3); c.2092G>A, p.Gly698Ser (NM_172108.5); short protein forms G729S, G701S, G711S, G747S, G698S.
Identifiers: ClinVar variation 2058555 (VCV002058555.4), dbSNP rs900927940, ClinGen allele CA317422158.
Genomic context (GRCh38, chr20:63,407,078, plus strand): 5'-CGTGGGCAGGCGGCGGCGGGATGCGCACCAGGGAGCCGTGGTCCCCCACGGGGGAGGTGC[C>T]GTGGCCCTGGCGCGGGTGGCTCTGTGGCTGCCAGGAGGTGGAGGGCGGACACTGGACAGG-3'
Protein context (NP_742105.1, residues 719-739): QPQSHPRQGH[Gly729Ser]TSPVGDHGSL

ClinVar aggregate classification (germline): Uncertain significance (1 of 4 stars; one submission).

Conditions:
Early-infantile DEE. Also called: Early infantile epileptic encephalopathy with suppression bursts; Early infantile epileptic encephalopathy; Ohtahara syndrome. Identifiers: Orphanet 1934, MedGen C0393706, MONDO:0800491.

Allele frequency attached by ClinVar (database versions not stated): gnomAD exomes 0.00001; TOPMed 0.00001.
gnomAD v4.1: 11 of 1,529,034 alleles (0.00072%); highest among the groups gnomAD compares: Admixed American, 0.0039%; no homozygotes.

Submission:

Labcorp Genetics (formerly Invitae), Labcorp
Classification: Uncertain significance for Early-infantile DEE. Last evaluated: 2025-07-30. Review status: criteria provided, single submitter. Criteria: Invitae Variant Classification Sherloc (09022015). Collection method: clinical testing. Allele origin: germline.
Comment: This sequence change replaces glycine, which is neutral and non-polar, with serine, which is neutral and polar, at codon 729 of the KCNQ2 protein (p.Gly729Ser). The frequency data for this variant in the population databases is considered unreliable, as metrics indicate poor data quality at this position in the gnomAD database. This variant has not been reported in the literature in individuals affected with KCNQ2-related conditions. ClinVar contains an entry for this variant (Variation ID: 2058555). An algorithm developed to predict the effect of missense changes on protein structure and function outputs the following: PolyPhen-2: "Benign". The serine amino acid residue is found in multiple mammalian species, which suggests that this missense change does not adversely affect protein function. In summary, the available evidence is currently insufficient to determine the role of this variant in disease. Therefore, it has been classified as a Variant of Uncertain Significance.